The following is an entry in ClinVar:

NM_001199267.2(DGKZ):c.1703C>T (p.Ser568Leu)

Gene: DGKZ (diacylglycerol kinase zeta; plus strand). Cytogenetic location: 11p11.2.
Variant type: single nucleotide variant.
Coding change: c.1703C>T on transcript NM_001199267.2 (MANE Select); coding-DNA position 1703, C replaced by T.
Protein change: p.Ser568Leu; replaces serine 568 with leucine.
Molecular consequence: missense variant.
Genome position (GRCh38, 1-based): chr11:46,375,041, C>T. VCF-style: chr11-46375041-C-T. GRCh37 (hg19) VCF-style: chr11-46396591-C-T.
Other names: c.2270C>T, p.Ser757Leu (NM_001105540.2); c.1706C>T, p.Ser569Leu (NM_001199266.2, NM_003646.4); c.1637C>T, p.Ser546Leu (NM_001199268.2); c.1754C>T, p.Ser585Leu (NM_201532.3); c.1718C>T, p.Ser573Leu (NM_201533.3); c.2270C>T (NM_001105540.1); short protein forms S585L, S546L, S568L, S569L, S573L, S757L.
Identifiers: ClinVar variation 1921523 (VCV001921523.6), dbSNP rs757227585, ClinGen allele CA5962939.

ClinVar aggregate classification (germline): Uncertain significance. Review status: criteria provided, multiple submitters, no conflicts (2 of 4 stars). 2 submissions from 2 submitters: Uncertain significance (2). Last evaluated 2024-01-31.

Allele frequency attached by ClinVar (database versions not stated): gnomAD 0.00002; ExAC 0.00003; gnomAD exomes 0.00003; TOPMed 0.00005.

Submissions (2):

Ambry Genetics
Classification: Uncertain significance. Last evaluated: 2024-01-31. Review status: criteria provided, single submitter. Criteria: Ambry Variant Classification Scheme 2023. Collection method: clinical testing. Allele origin: germline.

Labcorp Genetics (formerly Invitae), Labcorp
Classification: Uncertain significance. Last evaluated: 2022-03-19. Review status: criteria provided, single submitter. Criteria: Invitae Variant Classification Sherloc (09022015). Collection method: clinical testing. Allele origin: germline.
Comment: In summary, the available evidence is currently insufficient to determine the role of this variant in disease. Therefore, it has been classified as a Variant of Uncertain Significance. Algorithms developed to predict the effect of missense changes on protein structure and function are either unavailable or do not agree on the potential impact of this missense change (SIFT: "Deleterious"; PolyPhen-2: "Probably Damaging"; Align-GVGD: "Class C15"). This variant has not been reported in the literature in individuals affected with DGKZ-related conditions. The frequency data for this variant in the population databases is considered unreliable, as metrics indicate poor data quality at this position in the gnomAD database. This sequence change replaces serine, which is neutral and polar, with leucine, which is neutral and non-polar, at codon 757 of the DGKZ protein (p.Ser757Leu).